The following is an entry in ClinVar:

ClinVar aggregate classification (germline): Pathogenic (1 of 4 stars; one submission).

Submission:

ISCA site 15
Classification: Pathogenic. Last evaluated: 2011-08-12. Review status: criteria provided, single submitter. Criteria: Kaminsky et al. (Genet Med. 2011). Collection method: clinical testing. Allele origin: paternal. Affected: yes. Observed: 1 variant allele.
Comment: Copy number variation identified through the course of routine clinical cytogenomic testing in postnatal populations. Clinical assertions have been curated as described in Kaminsky et al. 2011.

GRCh38/hg38 17p13.3(chr17:1281181-1541624)x1

Genes: CRK (CRK proto-oncogene, adaptor protein; minus strand), CRK-AS1 (CRK antisense RNA 1; plus strand), INPP5K (inositol polyphosphate-5-phosphatase K; minus strand), MYO1C (myosin IC; minus strand), PITPNA (phosphatidylinositol transfer protein alpha; minus strand) and 14 more. Cytogenetic location: 17p13.3.
Variant type: copy number loss.
Change: copy number 1 (one copy instead of two) of chr17:1,281,181-1,541,624 (260.4 kb, GRCh38 coordinates, 1-based), cytogenetic band 17p13.3.
Identifiers: ClinVar variation 59560 (VCV000059560.1).